The following is an entry in ClinVar:

NM_005026.5(PIK3CD):c.3071G>A (p.Arg1024His)

Gene: PIK3CD (phosphatidylinositol-4,5-bisphosphate 3-kinase catalytic subunit delta; plus strand). Cytogenetic location: 1p36.22.
Variant type: single nucleotide variant.
Coding change: c.3071G>A on transcript NM_005026.5 (MANE Select); coding-DNA position 3071, G replaced by A.
Protein change: p.Arg1024His; replaces arginine 1024 with histidine.
Molecular consequence: missense variant.
Genome position (GRCh38, 1-based): chr1:9,726,982, G>A. VCF-style: chr1-9726982-G-A. GRCh37 (hg19) VCF-style: chr1-9787040-G-A.
Other names: NM_005026.5(PIK3CD):c.3071G>A; p.Arg1024His; c.3068G>A, p.Arg1023His (NM_001350234.2); c.2984G>A, p.Arg995His (NM_001350235.1); short protein forms R1023H, R995H, R1024H.
Identifiers: ClinVar variation 935418 (VCV000935418.11), dbSNP rs759704849, ClinGen allele CA17787141.

ClinVar aggregate classification (germline): Uncertain significance. Review status: reviewed by expert panel (3 of 4 stars). 3 submissions from 3 submitters: Uncertain significance (1). 2 of the submissions do not count toward it. Last evaluated 2025-12-19.

Conditions:
Immunodeficiency 14 (IMD14A). Also called: p110-DELTA-ACTIVATING MUTATION CAUSING SENESCENT T CELLS, LYMPHADENOPATHY, AND IMMUNODEFICIENCY; Activated PI3K Delta Syndrome Type 1 (APDS1); IMMUNODEFICIENCY 14A WITH LYMPHOPROLIFERATION, AUTOSOMAL DOMINANT; ACTIVATED PI3K-DELTA SYNDROME 1. Identifiers: Orphanet 397596, Orphanet 693661, MedGen C5907821, MONDO:0014222, OMIM 615513.

Allele frequency attached by ClinVar (database versions not stated): gnomAD exomes below 0.00001; gnomAD 0.00001; TOPMed 0.00002.
gnomAD v4.1: 14 of 1,613,922 alleles (0.00087%); highest among the groups gnomAD compares: Admixed American, 0.0017%; no homozygotes.

Submissions (3):

ClinGen Primary Immune Regulatory Disorders Variant Curation Expert Panel, ClinGen
Classification: Uncertain significance for Immunodeficiency 14. Last evaluated: 2025-12-19. Review status: reviewed by expert panel. Criteria: ClinGen AbDef ACMG Specifications PIK3CD V1.0.0. Collection method: curation. Allele origin: germline. Inheritance: Autosomal dominant inheritance.
Comment: NM_005026.5(PIK3CD):c.3071G>A (p.Arg1024His) is a missense variant encoding the replacement of arginine with histidine at amino acid 1024. This variant is present in gnomAD v4.1.0 at a total combined allele frequency of 0.000008675, with 14 alleles / 1,613,922 total alleles across all populations of gnomAD, which is higher than the ClinGen Antibody Deficiencies VCEP PM2_Supporting threshold of <0.00000132. The variant is present in gnomAD v.4.1.0 at a GrpMax flitering allele frequency of 0.000005000, with 11 alleles / 1,179,986 total alleles in the European (non-Finnish) population, which is lower than the ClinGen Antibody Deficiencies VCEP BS1 threshold of >0.0000132, so no population code can be applied. The variant has been reported twice, including in a proband with clinical findings consistent with activated PI3K delta syndrome who had lymphadenopathy (4 pts), with unspecified method of genotyping (PMID: 36399712). A second report in ClinVar that may refer to the same proband described an individual diagnosed with activated PI3K delta syndrome, with private communication with the testing lab confirming the presence of specific phenotypes sufficient to reach 4 pts (SCV001375192.4), which together were not sufficient for inclusion in PS4_Supporting. This variant has been identified as a de novo occurrence in 1 individual diagnosed with activated PI3K delta syndrome, with parental relationships confirmed through genotyping. Private communication with the testing lab confirmed the presence of specific phenotypes sufficient to reach 4 pts, which together are consistent with but not highly specific for immunodeficiency 14 (SCV001375192.4, PS2_Supporting). The computational predictor REVEL gives a score of 0.426, which is below the ClinGen Antibody Deficiencies VCEP threshold of >0.644 and does not predict a damaging effect on PIK3CD function. The computational predictor CADD gives a PHRED score of 33.0, which is above the ClinGen Antibody Deficiencies VCEP threshold of >25.3 and predicts a deleterious effect on PIK3CD function. Because the two predictors do not agree on a damaging effect, PP3 is not met. In summary, this variant meets the criteria to be classified as a variant of uncertain significance for autosomal dominant immunodeficiency 14 based on the ACMG/AMP criteria applied, as specified by the ClinGen Antibody Deficiencies VCEP: PS2_Supporting. (VCEP specifications version 1.0.0).

Labcorp Genetics (formerly Invitae), Labcorp
Classification: Likely pathogenic for Activated PI3K-delta syndrome. Last evaluated: 2025-05-05. Review status: criteria provided, single submitter. Criteria: Invitae Variant Classification Sherloc (09022015). Collection method: clinical testing. Allele origin: germline. Not counted in ClinVar's aggregate classification.
Comment: This sequence change replaces arginine, which is basic and polar, with histidine, which is basic and polar, at codon 1024 of the PIK3CD protein (p.Arg1024His). This variant is present in population databases (rs759704849, gnomAD 0.003%). This missense change has been observed in individual(s) with clinical features of activated PI3K-delta syndrome (PMID: 36399712; internal data). In at least one individual the variant was observed to be de novo. ClinVar contains an entry for this variant (Variation ID: 935418). An algorithm developed to predict the effect of missense changes on protein structure and function (PolyPhen-2) suggests that this variant is likely to be disruptive. In summary, the currently available evidence indicates that the variant is pathogenic, but additional data are needed to prove that conclusively. Therefore, this variant has been classified as Likely Pathogenic.

Mendelics
Classification: Uncertain significance. Last evaluated: 2022-05-04. Review status: criteria provided, single submitter. Criteria: Mendelics Assertion Criteria 2019. Collection method: clinical testing. Allele origin: germline. Not counted in ClinVar's aggregate classification.

Literature cited by the submitters: PubMed 36399712 (cited by Labcorp Genetics (formerly Invitae), Labcorp).